The following is an entry in ClinVar:

ClinVar aggregate classification (germline): Uncertain significance (1 of 4 stars; one submission).

Allele frequency attached by ClinVar (database versions not stated): gnomAD 0.00001; TOPMed 0.00004.
gnomAD v4.1: 2 of 1,612,336 alleles (0.00012%); highest among the groups gnomAD compares: Admixed American, 0.0017%; no homozygotes.

Submission:

Labcorp Genetics (formerly Invitae), Labcorp
Classification: Uncertain significance. Last evaluated: 2022-07-21. Review status: criteria provided, single submitter. Criteria: Invitae Variant Classification Sherloc (09022015). Collection method: clinical testing. Allele origin: germline.
Comment: Algorithms developed to predict the effect of missense changes on protein structure and function (SIFT, PolyPhen-2, Align-GVGD) all suggest that this variant is likely to be tolerated. In summary, the available evidence is currently insufficient to determine the role of this variant in disease. Therefore, it has been classified as a Variant of Uncertain Significance. This variant has not been reported in the literature in individuals affected with EFEMP1-related conditions. This variant is not present in population databases (gnomAD no frequency). This sequence change replaces isoleucine, which is neutral and non-polar, with valine, which is neutral and non-polar, at codon 271 of the EFEMP1 protein (p.Ile271Val).

NM_001039348.3(EFEMP1):c.811A>G (p.Ile271Val)

Gene: EFEMP1 (EGF-like fibulin extracellular matrix protein 1; minus strand). Cytogenetic location: 2p16.1.
Variant type: single nucleotide variant.
Coding change: c.811A>G on transcript NM_001039348.3 (MANE Select); coding-DNA position 811, A replaced by G.
Protein change: p.Ile271Val; replaces isoleucine 271 with valine.
Molecular consequence: missense variant.
Genome position (GRCh38, 1-based): chr2:55,876,692, T>C on the plus strand (A>G on the coding strand, the complement: EFEMP1 is on the minus strand). VCF-style: chr2-55876692-T-C. GRCh37 (hg19) VCF-style: chr2-56103827-T-C.
Other names: c.811A>G, p.Ile271Val (NM_001039349.3); short protein forms I271V.
Identifiers: ClinVar variation 2160674 (VCV002160674.4), dbSNP rs1572791846, ClinGen allele CA347029004.